The following is an entry in ClinVar:

ClinVar aggregate classification (germline): Uncertain significance (1 of 4 stars; one submission).

Allele frequency attached by ClinVar (database versions not stated): gnomAD exomes 0.00001 and 0.00006; TOPMed 0.00003; gnomAD 0.00004.
gnomAD v4.1: 18 of 1,561,724 alleles (0.0012%); highest among the groups gnomAD compares: Admixed American, 0.026%; no homozygotes.

Submission:

Labcorp Genetics (formerly Invitae), Labcorp
Classification: Uncertain significance. Last evaluated: 2024-10-23. Review status: criteria provided, single submitter. Criteria: Invitae Variant Classification Sherloc (09022015). Collection method: clinical testing. Allele origin: germline.
Comment: This sequence change replaces arginine, which is basic and polar, with glutamine, which is neutral and polar, at codon 753 of the COL18A1 protein (p.Arg753Gln). This variant is present in population databases (no rsID available, gnomAD 0.04%). This variant has not been reported in the literature in individuals affected with COL18A1-related conditions. ClinVar contains an entry for this variant (Variation ID: 1479563). Experimental studies and prediction algorithms are not available or were not evaluated, and the functional significance of this variant is currently unknown. In summary, the available evidence is currently insufficient to determine the role of this variant in disease. Therefore, it has been classified as a Variant of Uncertain Significance.

NM_001379500.1(COL18A1):c.2258G>A (p.Arg753Gln)

Gene: COL18A1 (collagen type XVIII alpha 1 chain; plus strand). Cytogenetic location: 21q22.3.
Variant type: single nucleotide variant.
Coding change: c.2258G>A on transcript NM_001379500.1 (MANE Select); coding-DNA position 2258, G replaced by A.
Protein change: p.Arg753Gln; replaces arginine 753 with glutamine.
Molecular consequence: missense variant.
Genome position (GRCh38, 1-based): chr21:45,493,206, G>A. VCF-style: chr21-45493206-G-A. GRCh37 (hg19) VCF-style: chr21-46913120-G-A.
Other names: c.2798G>A, p.Arg933Gln (NM_030582.4); c.3503G>A, p.Arg1168Gln (NM_130444.3); short protein forms R1168Q, R933Q, R753Q.
Identifiers: ClinVar variation 1479563 (VCV001479563.5), dbSNP rs1373350140, ClinGen allele CA410497328.
Genomic context (GRCh38, chr21:45,493,206, plus strand): 5'-CCTGGCCTCCATTCCAGGGACCTGCAGGACCCAAGGGCAACCTGGGCTCTAAGGGCGAAC[G>A]AGGCTCCCCGGGACCCAAGGTAAGGGGCTCAGGTGCTGTCCCTCAACCCCCTTTGTGACC-3'
Protein context (NP_001366429.1, residues 743-763): PKGNLGSKGE[Arg753Gln]GSPGPKGEKG